The following is an entry in ClinVar:

ClinVar aggregate classification (germline): Pathogenic. Review status: reviewed by expert panel (3 of 4 stars). 4 submissions from 4 submitters: Pathogenic (1). 3 of the submissions do not count toward it. Last evaluated 2016-10-18.

Conditions:
Hereditary breast ovarian cancer syndrome. Also called: Hereditary breast and ovarian cancer syndrome; Hereditary breast and ovarian cancer; Hereditary breast and ovarian cancer syndrome (HBOC); Breast and ovarian cancer; Hereditary breast and/or ovarian cancer syndrome; BRCA1- and BRCA2-Associated Hereditary Breast and Ovarian Cancer. Identifiers: Orphanet 145, MedGen C0677776, MeSH D061325, MONDO:0003582. Disease mechanism: loss of function.
Breast-ovarian cancer, familial, susceptibility to, 2 (BROVCA2). Also called: BRCA2 Hereditary Breast and Ovarian Cancer. Identifiers: Orphanet 145, MedGen C2675520, MONDO:0012933, OMIM 612555. Disease mechanism: loss of function.

Submissions (4):

Evidence-based Network for the Interpretation of Germline Mutant Alleles (ENIGMA)
Classification: Pathogenic for Breast-ovarian cancer, familial, susceptibility to, 2. Last evaluated: 2016-10-18. Review status: reviewed by expert panel. Criteria: ENIGMA BRCA1/2 Classification Criteria (2015). Collection method: curation. Allele origin: germline.
Comment: Variant allele predicted to encode a truncated non-functional protein.

Consortium of Investigators of Modifiers of BRCA1/2 (CIMBA), c/o University of Cambridge
Classification: Pathogenic for Breast-ovarian cancer, familial, susceptibility to, 2. Last evaluated: 2015-10-02. Review status: criteria provided, single submitter. Criteria: CIMBA Mutation Classification guidelines May 2016. Collection method: clinical testing. Allele origin: germline. Not counted in ClinVar's aggregate classification.

Department of Pathology and Laboratory Medicine, Sinai Health System
Classification: Likely pathogenic for Hereditary breast ovarian cancer syndrome. Review status: criteria provided, single submitter. Criteria: ACMG Guidelines, 2015. Collection method: clinical testing. Allele origin: germline. Affected: yes. Study: The Canadian Open Genetics Repository (COGR). Not counted in ClinVar's aggregate classification.

Research Molecular Genetics Laboratory, Women's College Hospital, University of Toronto
Classification: Pathogenic for Hereditary breast ovarian cancer syndrome. Last evaluated: 2014-01-31. Review status: no assertion criteria provided. Collection method: research. Allele origin: germline. Affected: yes. Study: The Canadian Open Genetics Repository (COGR). Not counted in ClinVar's aggregate classification.

NM_000059.4(BRCA2):c.2786del (p.Leu929fs)

Gene: BRCA2 (BRCA2 DNA repair associated; plus strand). Cytogenetic location: 13q13.1.
Variant type: Deletion.
Coding change: c.2786del on transcript NM_000059.4 (MANE Select); coding-DNA position 2786, one base deleted (T; older notation c.2786delT).
Protein change: p.Leu929fs; shifts the reading frame from leucine 929.
Molecular consequence: frameshift variant.
Genome position (GRCh38, 1-based): chr13:32,337,141, T deleted; the last of 4 consecutive T bases (chr13:32,337,138-32,337,141); deleting any one gives the same sequence. VCF-style (leftmost placement, unchanged base first): chr13-32337137-GT-G. GRCh37 (hg19) VCF-style: chr13-32911274-GT-G.
Other names: 3014delT; c.2786delT (NM_000059.3).
Identifiers: ClinVar variation 51344 (VCV000051344.7), dbSNP rs80359347, ClinGen allele CA016352.